The following is an entry in ClinVar:

ClinVar aggregate classification (germline): Uncertain significance (1 of 4 stars; one submission).

Conditions:
Severe combined immunodeficiency due to DNA-PKcs deficiency. Also called: IMMUNODEFICIENCY 26 WITH NEUROLOGIC ABNORMALITIES; Immunodeficiency 26 with or without neurologic abnormalities. Identifiers: Orphanet 317425, MedGen C4014833, MONDO:0014423, OMIM 615966.

Allele frequency attached by ClinVar (database versions not stated): gnomAD 0.00001; gnomAD exomes 0.00002 and 0.00004; ExAC 0.00005; 1000 Genomes Project 30x 0.00016; 1000 Genomes Project 0.00020.
gnomAD v4.1: 31 of 1,614,002 alleles (0.0019%); highest among the groups gnomAD compares: South Asian, 0.031%; no homozygotes.

Submission:

Labcorp Genetics (formerly Invitae), Labcorp
Classification: Uncertain significance for Severe combined immunodeficiency due to DNA-PKcs deficiency. Last evaluated: 2021-09-26. Review status: criteria provided, single submitter. Criteria: Invitae Variant Classification Sherloc (09022015). Collection method: clinical testing. Allele origin: germline.
Comment: In summary, the available evidence is currently insufficient to determine the role of this variant in disease. Therefore, it has been classified as a Variant of Uncertain Significance. Experimental studies and prediction algorithms are not available or were not evaluated, and the functional significance of this variant is currently unknown. This variant has not been reported in the literature in individuals with PRKDC-related conditions. This variant is present in population databases (rs560845048, ExAC 0.04%). This sequence change replaces isoleucine with valine at codon 1041 of the PRKDC protein (p.Ile1041Val). The isoleucine residue is highly conserved and there is a small physicochemical difference between isoleucine and valine.

NM_006904.7(PRKDC):c.3121A>G (p.Ile1041Val)

Gene: PRKDC (protein kinase, DNA-activated, catalytic subunit; minus strand). Cytogenetic location: 8q11.21.
Variant type: single nucleotide variant.
Coding change: c.3121A>G on transcript NM_006904.7 (MANE Select); coding-DNA position 3121, A replaced by G.
Protein change: p.Ile1041Val; replaces isoleucine 1041 with valine.
Molecular consequence: missense variant.
Genome position (GRCh38, 1-based): chr8:47,902,717, T>C on the plus strand (A>G on the coding strand, the complement: PRKDC is on the minus strand). VCF-style: chr8-47902717-T-C. GRCh37 (hg19) VCF-style: chr8-48815277-T-C.
Other names: c.3121A>G, p.Ile1041Val (NM_001081640.2); short protein forms I1041V.
Identifiers: ClinVar variation 1469155 (VCV001469155.4), dbSNP rs560845048, ClinGen allele CA4741265.